The following is an entry in ClinVar:

NM_001267727.2(ARSG):c.794G>T (p.Gly265Val)

Gene: ARSG (arylsulfatase G; plus strand). Cytogenetic location: 17q24.2.
Variant type: single nucleotide variant.
Coding change: c.794G>T on transcript NM_001267727.2 (MANE Select); coding-DNA position 794, G replaced by T.
Protein change: p.Gly265Val; replaces glycine 265 with valine.
Molecular consequence: missense variant.
Genome position (GRCh38, 1-based): chr17:68,368,637, G>T. VCF-style: chr17-68368637-G-T. GRCh37 (hg19) VCF-style: chr17-66364778-G-T.
Other names: c.794G>T, p.Gly265Val (NM_001352899.2, NM_001352900.2, NM_001352901.2 and 3 more transcripts); c.791G>T, p.Gly264Val (NM_001352903.2, NM_001352904.2, NM_001352905.2 and 2 more transcripts); c.746G>T, p.Gly249Val (NM_001352909.2); short protein forms G249V, G265V, G264V.
Identifiers: ClinVar variation 1930554 (VCV001930554.5), dbSNP rs1318554024, ClinGen allele CA400745330.

ClinVar aggregate classification (germline): Uncertain significance (1 of 4 stars; one submission).

gnomAD v4.1: 3 of 1,614,248 alleles (0.00019%); highest among the groups gnomAD compares: Non-Finnish European, 0.00025%; no homozygotes.

Submission:

Labcorp Genetics (formerly Invitae), Labcorp
Classification: Uncertain significance. Last evaluated: 2025-10-21. Review status: criteria provided, single submitter. Criteria: Invitae Variant Classification Sherloc (09022015). Collection method: clinical testing. Allele origin: germline.
Comment: This sequence change replaces glycine, which is neutral and non-polar, with valine, which is neutral and non-polar, at codon 265 of the ARSG protein (p.Gly265Val). This variant is not present in population databases (gnomAD no frequency). This variant has not been reported in the literature in individuals affected with ARSG-related conditions. ClinVar contains an entry for this variant (Variation ID: 1930554). Invitae Evidence Modeling of protein sequence and biophysical properties (such as structural, functional, and spatial information, amino acid conservation, physicochemical variation, residue mobility, and thermodynamic stability) indicates that this missense variant is not expected to disrupt ARSG protein function with a negative predictive value of 80%. In summary, the available evidence is currently insufficient to determine the role of this variant in disease. Therefore, it has been classified as a Variant of Uncertain Significance.